The following is an entry in ClinVar:

ClinVar aggregate classification (germline): Likely benign. Review status: criteria provided, multiple submitters, no conflicts (2 of 4 stars). 3 submissions from 3 submitters: Likely benign (2). 1 of the submissions does not count toward it. Last evaluated 2024-10-03.

Conditions:
Inborn genetic diseases. Identifiers: MedGen C0950123, MeSH D030342.
MACF1-related disorder. Also called: MACF1-related condition.

Allele frequency attached by ClinVar (database versions not stated): gnomAD 0.00002; TOPMed 0.00002; ExAC 0.00008.
gnomAD v4.1: 24 of 1,614,182 alleles (0.0015%); highest among the groups gnomAD compares: East Asian, 0.02%; no homozygotes.

Submissions (3):

Blueprint Genetics
Classification: Likely benign. Last evaluated: 2024-10-03. Review status: criteria provided, single submitter. Criteria: ACMG Guidelines, 2015. Collection method: clinical testing. Allele origin: germline.

Ambry Genetics
Classification: Likely benign for Inborn genetic diseases. Last evaluated: 2022-02-10. Review status: criteria provided, single submitter. Criteria: Ambry Variant Classification Scheme 2023. Collection method: clinical testing. Allele origin: germline.

PreventionGenetics, part of Exact Sciences
Classification: Likely benign for MACF1-related condition. Last evaluated: 2022-12-02. Review status: no assertion criteria provided. Collection method: clinical testing. Allele origin: germline. Not counted in ClinVar's aggregate classification.
Comment: This variant is classified as likely benign based on ACMG/AMP sequence variant interpretation guidelines (Richards et al. 2015 PMID: 25741868, with internal and published modifications).

NM_001394062.1(MACF1):c.18421A>G (p.Ile6141Val)

Gene: MACF1 (microtubule actin crosslinking factor 1; plus strand). Cytogenetic location: 1p34.3.
Variant type: single nucleotide variant.
Coding change: c.18421A>G on transcript NM_001394062.1 (MANE Select); coding-DNA position 18421, A replaced by G.
Protein change: p.Ile6141Val; replaces isoleucine 6141 with valine.
Molecular consequence: missense variant.
Genome position (GRCh38, 1-based): chr1:39,439,474, A>G. VCF-style: chr1-39439474-A-G. GRCh37 (hg19) VCF-style: chr1-39905146-A-G.
Other names: c.6499A>G, p.Ile2167Val (NM_001397473.1); c.12244A>G, p.Ile4082Val (NM_012090.5); short protein forms I2167V, I4082V, I6141V.
Identifiers: ClinVar variation 2262379 (VCV002262379.5), dbSNP rs764640438, ClinGen allele CA783875.
Genomic context (GRCh38, chr1:39,439,474, plus strand): 5'-ATCAAAGACACCCAGGATATTGTCCATGACTTGGAAAGCCCAGGCATTGATCCTTCCATC[A>G]TCAAACAACAGGTTGAAGCTGCTGAGGTAAGAAGGAAACAAAACCCTTTTTCTTAGGTGT-3'
Protein context (NP_001380991.1, residues 6131-6151): LESPGIDPSI[Ile6141Val]KQQVEAAETI